The following is an entry in ClinVar:

NM_001267550.2(TTN):c.70863C>T (p.Pro23621=)

Genes: TTN (titin; minus strand), TTN-AS1 (TTN antisense RNA 1; plus strand). Cytogenetic location: 2q31.2.
Variant type: single nucleotide variant.
Coding change: c.70863C>T on transcript NM_001267550.2 (MANE Select); coding-DNA position 70863, C replaced by T.
Protein change: p.Pro23621=; no amino-acid change (proline 23621 retained).
Molecular consequence: synonymous variant.
Genome position (GRCh38, 1-based): chr2:178,575,269, G>A on the plus strand (C>T on the coding strand, the complement: TTN is on the minus strand). VCF-style: chr2-178575269-G-A. GRCh37 (hg19) VCF-style: chr2-179439996-G-A.
Other names: c.65940C>T, p.Pro21980= (NM_001256850.1); c.43668C>T, p.Pro14556= (NM_003319.4); c.63159C>T, p.Pro21053= (NM_133378.4); c.44043C>T, p.Pro14681= (NM_133432.3); c.44244C>T, p.Pro14748= (NM_133437.4).
Identifiers: ClinVar variation 758892 (VCV000758892.39), dbSNP rs774842328, ClinGen allele CA1990712.

ClinVar aggregate classification (germline): Likely benign. Review status: criteria provided, multiple submitters, no conflicts (2 of 4 stars). 3 submissions from 3 submitters: Likely benign (3). Last evaluated 2025-10-26.

Conditions:
Dilated cardiomyopathy 1G (CMD1G). Identifiers: Orphanet 154, MedGen C1858763, MONDO:0011400, OMIM 604145.
Autosomal recessive limb-girdle muscular dystrophy type 2J (LGMDR10). Also called: MUSCULAR DYSTROPHY, LIMB-GIRDLE, AUTOSOMAL RECESSIVE 10; Limb-girdle muscular dystrophy, type 2J. Identifiers: Orphanet 140922, MedGen C1837342, MONDO:0012127, OMIM 608807.
Cardiovascular phenotype. Identifiers: MedGen CN230736.

Allele frequency attached by ClinVar (database versions not stated): gnomAD exomes below 0.00001; ExAC 0.00001; gnomAD 0.00001; TOPMed 0.00002.
gnomAD v4.1: 5 of 1,613,128 alleles (0.00031%); highest among the groups gnomAD compares: African/African-American, 0.004%; no homozygotes.

Submissions (3):

Labcorp Genetics (formerly Invitae), Labcorp
Classification: Likely benign for Dilated cardiomyopathy 1G; Autosomal recessive limb-girdle muscular dystrophy type 2J. Last evaluated: 2025-10-26. Review status: criteria provided, single submitter. Criteria: Invitae Variant Classification Sherloc (09022015). Collection method: clinical testing. Allele origin: germline.

CeGaT Center for Human Genetics Tuebingen
Classification: Likely benign. Last evaluated: 2022-07-01. Review status: criteria provided, single submitter. Criteria: CeGaT Center For Human Genetics Tuebingen Variant Classification Criteria Version 2. Collection method: clinical testing. Allele origin: germline. Affected: yes. Observed: 2 variant alleles.
Comment: TTN: BP4, BP7

Ambry Genetics
Classification: Likely benign for Cardiovascular phenotype. Last evaluated: 2020-04-28. Review status: criteria provided, single submitter. Criteria: Ambry Variant Classification Scheme 2023. Collection method: clinical testing. Allele origin: germline.